The following is an entry in ClinVar:

ClinVar aggregate classification (germline): Uncertain significance. Review status: criteria provided, multiple submitters, no conflicts (2 of 4 stars). 5 submissions from 5 submitters: Uncertain significance (4). 1 of the submissions does not count toward it. Last evaluated 2025-05-06.

Conditions:
Zellweger spectrum disorders (ZS). Also called: Zellweger Spectrum Disorder; Zellweger Spectrum; Zellweger syndrome; Zellweger Spectrum Disorder (ZSD). Identifiers: Orphanet 912, MedGen C0043459, MONDO:0019609.
Inborn genetic diseases. Identifiers: MedGen C0950123, MeSH D030342.
Peroxisome biogenesis disorder, complementation group 7 (CG7). Also called: Peroxisome biogenesis disorder, complementation group B. Identifiers: MedGen C1864399.

Allele frequency attached by ClinVar (database versions not stated): ExAC 0.00002; TOPMed 0.00002; gnomAD 0.00003 and 0.00004; gnomAD exomes 0.00003; ESP Exome Variant Server 0.00008.

Submissions (5):

Mayo Clinic Laboratories, Mayo Clinic
Classification: Uncertain significance. Last evaluated: 2025-05-06. Review status: criteria provided, single submitter. Criteria: ACMG Guidelines, 2015. Collection method: clinical testing. Allele origin: germline. Observed: 1 variant allele.
Comment: BP4, PM2_supporting

Ambry Genetics
Classification: Uncertain significance for Inborn genetic diseases. Last evaluated: 2023-05-08. Review status: criteria provided, single submitter. Criteria: Ambry Variant Classification Scheme 2023. Collection method: clinical testing. Allele origin: germline.

Labcorp Genetics (formerly Invitae), Labcorp
Classification: Uncertain significance for Peroxisome biogenesis disorder, complementation group 7. Last evaluated: 2022-09-02. Review status: criteria provided, single submitter. Criteria: Invitae Variant Classification Sherloc (09022015). Collection method: clinical testing. Allele origin: germline.
Comment: This sequence change replaces arginine, which is basic and polar, with tryptophan, which is neutral and slightly polar, at codon 83 of the PEX10 protein (p.Arg83Trp). This variant is present in population databases (rs377135853, gnomAD 0.006%). This variant has not been reported in the literature in individuals affected with PEX10-related conditions. ClinVar contains an entry for this variant (Variation ID: 498023). Algorithms developed to predict the effect of missense changes on protein structure and function are either unavailable or do not agree on the potential impact of this missense change (SIFT: "Deleterious"; PolyPhen-2: "Benign"; Align-GVGD: "Class C0"). In summary, the available evidence is currently insufficient to determine the role of this variant in disease. Therefore, it has been classified as a Variant of Uncertain Significance.

Eurofins Ntd Llc (ga)
Classification: Uncertain significance. Last evaluated: 2016-10-17. Review status: criteria provided, single submitter. Criteria: EGL Classification Definitions 2015. Collection method: clinical testing. Allele origin: germline. Observed: 1 variant allele, 1 heterozygote.

Natera, Inc.
Classification: Uncertain significance for Zellweger syndrome. Last evaluated: 2020-04-25. Review status: no assertion criteria provided. Collection method: clinical testing. Allele origin: germline. Not counted in ClinVar's aggregate classification.

NM_002617.4(PEX10):c.247C>T (p.Arg83Trp)

Gene: PEX10 (peroxisomal biogenesis factor 10; minus strand). Cytogenetic location: 1p36.32.
Variant type: single nucleotide variant.
Coding change: c.247C>T on transcript NM_002617.4 (MANE Select); coding-DNA position 247, C replaced by T.
Protein change: p.Arg83Trp; replaces arginine 83 with tryptophan.
Molecular consequence: missense variant. On other transcripts: 5 prime UTR variant (2), non-coding transcript variant (1).
Genome position (GRCh38, 1-based): chr1:2,408,805, G>A on the plus strand (C>T on the coding strand, the complement: PEX10 is on the minus strand). VCF-style: chr1-2408805-G-A. GRCh37 (hg19) VCF-style: chr1-2340244-G-A.
Other names: p.Arg83Trp; c.247C>T, p.Arg83Trp (NM_001374425.1, NM_153818.2); c.-186C>T (NM_001374426.1, NM_001374427.1); short protein forms R83W.
Identifiers: ClinVar variation 498023 (VCV000498023.11), dbSNP rs377135853, ClinGen allele CA538236.